The following is an entry in ClinVar:

NM_152383.5(DIS3L2):c.1024G>A (p.Val342Met)

Gene: DIS3L2 (DIS3 like 3'-5' exoribonuclease 2; plus strand). Cytogenetic location: 2q37.1.
Variant type: single nucleotide variant.
Coding change: c.1024G>A on transcript NM_152383.5 (MANE Select); coding-DNA position 1024, G replaced by A.
Protein change: p.Val342Met; replaces valine 342 with methionine.
Molecular consequence: missense variant. On other transcripts: non-coding transcript variant (2).
Genome position (GRCh38, 1-based): chr2:232,163,532, G>A. VCF-style: chr2-232163532-G-A. GRCh37 (hg19) VCF-style: chr2-233028242-G-A.
Other names: c.1024G>A, p.Val342Met (NM_001257281.2); short protein forms V342M.
Identifiers: ClinVar variation 842778 (VCV000842778.7), dbSNP rs1335491905, ClinGen allele CA351154312.

ClinVar aggregate classification (germline): Uncertain significance (1 of 4 stars; one submission).

Conditions:
Perlman syndrome (PRLMNS). Identifiers: Orphanet 2849, MedGen C0796113, MONDO:0009965, OMIM 267000.

Allele frequency attached by ClinVar (database versions not stated): gnomAD exomes below 0.00001; gnomAD 0.00001; TOPMed 0.00002.
gnomAD v4.1: 7 of 1,614,042 alleles (0.00043%); highest among the groups gnomAD compares: East Asian, 0.0022%; no homozygotes.

Submission:

Labcorp Genetics (formerly Invitae), Labcorp
Classification: Uncertain significance for Perlman syndrome. Last evaluated: 2025-01-01. Review status: criteria provided, single submitter. Criteria: Invitae Variant Classification Sherloc (09022015). Collection method: clinical testing. Allele origin: germline.
Comment: This sequence change replaces valine, which is neutral and non-polar, with methionine, which is neutral and non-polar, at codon 342 of the DIS3L2 protein (p.Val342Met). This variant is present in population databases (no rsID available, gnomAD 0.006%). This variant has not been reported in the literature in individuals affected with DIS3L2-related conditions. ClinVar contains an entry for this variant (Variation ID: 842778). Invitae Evidence Modeling of protein sequence and biophysical properties (such as structural, functional, and spatial information, amino acid conservation, physicochemical variation, residue mobility, and thermodynamic stability) has been performed for this missense variant. However, the output from this modeling did not meet the statistical confidence thresholds required to predict the impact of this variant on DIS3L2 protein function. In summary, the available evidence is currently insufficient to determine the role of this variant in disease. Therefore, it has been classified as a Variant of Uncertain Significance.